The following is an entry in ClinVar:

ClinVar aggregate classification (germline): Conflicting classifications of pathogenicity. Review status: criteria provided, conflicting classifications (1 of 4 stars). 3 submissions from 3 submitters: Likely pathogenic (1); Uncertain significance (2). Last evaluated 2025-12-16.

Conditions:
Protoporphyria, erythropoietic, 1 (EPP1). Also called: Erythropoietic Protoporphyria, Autosomal Recessive; FERROCHELATASE DEFICIENCY; HEME SYNTHETASE DEFICIENCY. Identifiers: Orphanet 79278, MedGen C4692546, MONDO:0008319, OMIM 177000.
FECH-related disorder. Also called: FECH-related condition.

Allele frequency attached by ClinVar (database versions not stated): gnomAD 0.00001; TOPMed 0.00002; gnomAD exomes 0.00004; ExAC 0.00008.

Submissions (3):

Labcorp Genetics (formerly Invitae), Labcorp
Classification: Uncertain significance. Last evaluated: 2025-12-16. Review status: criteria provided, single submitter. Criteria: Invitae Variant Classification Sherloc (09022015). Collection method: clinical testing. Allele origin: germline.
Comment: This sequence change falls in intron 5 of the FECH gene. It does not directly change the encoded amino acid sequence of the FECH protein. It affects a nucleotide within the consensus splice site. This variant is present in population databases (rs765069812, gnomAD 0.007%). This variant has been observed in individual(s) with erythropoietic protoporphyria (PMID: 17196862, 23364466, 33021473). ClinVar contains an entry for this variant (Variation ID: 803499). Variants that disrupt the consensus splice site are a relatively common cause of aberrant splicing (PMID: 17576681, 9536098). Algorithms developed to predict the effect of sequence changes on RNA splicing suggest that this variant is not likely to affect RNA splicing. In summary, the available evidence is currently insufficient to determine the role of this variant in disease. Therefore, it has been classified as a Variant of Uncertain Significance.

PreventionGenetics, part of Exact Sciences
Classification: Uncertain significance for FECH-related condition. Last evaluated: 2025-05-22. Review status: criteria provided, single submitter. Criteria: ACMG Guidelines, 2015. Collection method: clinical testing. Allele origin: germline.
Comment: The FECH c.599-3C>T variant is predicted to interfere with splicing. This variant is alternatively referred to as IVS5-3C>T in the literature. This variant was reported in the compound heterozygous state in individuals with erythropoietic protoporphyria (Aurizi et al. 2007. PubMed ID: 17196862; Ventura et al. 2020. PubMed ID: 33021473). This variant has also been reported in cis with another splice variant of this intron, c.598+1G>T, (Balwani et al. 2013. PubMed ID: 23364466). This variant is predicted to not impact splicing based on available splicing prediction programs (SpliceAI, Jaganathan et al. 2019. PubMed ID: 30661751). This variant is reported in 0.0070% of alleles in individuals of European (Non-Finnish) descent in gnomAD. Although we suspect that this variant may be pathogenic, at this time, the clinical significance of this variant is uncertain due to the absence of conclusive functional and genetic evidence.

Mendelics
Classification: Likely pathogenic for Protoporphyria, erythropoietic, 1. Last evaluated: 2019-05-28. Review status: criteria provided, single submitter. Criteria: Mendelics Assertion Criteria 2017. Collection method: clinical testing. Allele origin: unknown.

Literature cited by the submitters: PubMed 17196862 (cited by Labcorp Genetics (formerly Invitae), Labcorp); PubMed 23364466 (cited by Labcorp Genetics (formerly Invitae), Labcorp); PubMed 33021473 (cited by Labcorp Genetics (formerly Invitae), Labcorp); PubMed 17576681 (cited by Labcorp Genetics (formerly Invitae), Labcorp); PubMed 9536098 (cited by Labcorp Genetics (formerly Invitae), Labcorp).

NM_000140.5(FECH):c.599-3C>T

Gene: FECH (ferrochelatase; minus strand). Cytogenetic location: 18q21.31.
Variant type: single nucleotide variant.
Coding change: c.599-3C>T on transcript NM_000140.5 (MANE Select); 3 bases into the intron before coding-DNA position 599, C replaced by T.
Molecular consequence: intron variant.
Genome position (GRCh38, 1-based): chr18:57,562,983, G>A on the plus strand (C>T on the coding strand, the complement: FECH is on the minus strand). VCF-style: chr18-57562983-G-A. GRCh37 (hg19) VCF-style: chr18-55230215-G-A.
Other names: c.599-3C>T (NM_001371094.1, NM_001374778.1, NM_000140.3); c.617-3C>T (NM_001012515.4); c.383-3C>T (NM_001371095.1).
Identifiers: ClinVar variation 803499 (VCV000803499.7), dbSNP rs765069812, ClinGen allele CA8973149.
Genomic context (GRCh38, chr18:57,562,983, plus strand): 5'-ATCGTGGGCTTCCGTCCCACTTGATTATAGTATCTGTAAATGGCATTTAAGCTGCTGCCT[G>A]AAATATACAGAGACCACTTAGTAGATGCATTTTGATTATGGTGAAAATAAAAAACAGACT-3'